The following is an entry in ClinVar:

ClinVar aggregate classification (germline): Likely benign. Review status: criteria provided, multiple submitters, no conflicts (2 of 4 stars). 3 submissions from 3 submitters: Likely benign (3). Last evaluated 2025-10-29.

Conditions:
PLPBP-related disorder. Also called: PLPBP-related condition.

Allele frequency attached by ClinVar (database versions not stated): gnomAD exomes 0.00001; ExAC 0.00005; TOPMed 0.00009; gnomAD 0.00010; 1000 Genomes Project 0.00060; 1000 Genomes Project 30x 0.00078.

Submissions (3):

Labcorp Genetics (formerly Invitae), Labcorp
Classification: Likely benign. Last evaluated: 2025-10-29. Review status: criteria provided, single submitter. Criteria: Invitae Variant Classification Sherloc (09022015). Collection method: clinical testing. Allele origin: germline.

PreventionGenetics, part of Exact Sciences
Classification: Likely benign for PLPBP-related condition. Last evaluated: 2025-04-11. Review status: criteria provided, single submitter. Criteria: ACMG Guidelines, 2015. Collection method: clinical testing. Allele origin: germline.
Comment: This variant is classified as likely benign based on ACMG/AMP sequence variant interpretation guidelines (Richards et al. 2015 PMID: 25741868, with internal and published modifications).

CeGaT Center for Human Genetics Tuebingen
Classification: Likely benign. Last evaluated: 2025-04-01. Review status: criteria provided, single submitter. Criteria: CeGaT Center For Human Genetics Tuebingen Variant Classification Criteria Version 2. Collection method: clinical testing. Allele origin: germline. Affected: yes. Observed: 1 variant allele.
Comment: PLPBP: BP4, BP7

NM_007198.4(PLPBP):c.444C>T (p.Ser148=)

Gene: PLPBP (pyridoxal phosphate binding protein; plus strand). Cytogenetic location: 8p11.23.
Variant type: single nucleotide variant.
Coding change: c.444C>T on transcript NM_007198.4 (MANE Select); coding-DNA position 444, C replaced by T.
Protein change: p.Ser148=; no amino-acid change (serine 148 retained).
Molecular consequence: synonymous variant.
Genome position (GRCh38, 1-based): chr8:37,772,879, C>T. VCF-style: chr8-37772879-C-T. GRCh37 (hg19) VCF-style: chr8-37630397-C-T.
Other names: c.444C>T, p.Ser148= (NM_001349346.2); c.438C>T, p.Ser146= (NM_001349347.2); c.288C>T, p.Ser96= (NM_001349348.2); c.444C>T (NM_007198.3).
Identifiers: ClinVar variation 1954733 (VCV001954733.13), dbSNP rs531442501, ClinGen allele CA4711234.